The following is an entry in ClinVar:

ClinVar aggregate classification (germline): Uncertain significance (1 of 4 stars; one submission).

Submission:

GeneDx
Classification: Uncertain significance. Last evaluated: 2023-01-23. Review status: criteria provided, single submitter. Criteria: GeneDx Variant Classification Process June 2021. Collection method: clinical testing. Allele origin: germline. Affected: yes.
Comment: Not observed at significant frequency in large population cohorts (gnomAD); In silico analysis supports that this missense variant does not alter protein structure/function; Has not been previously published as pathogenic or benign to our knowledge

NM_000256.3(MYBPC3):c.415T>G (p.Ser139Ala)

Gene: MYBPC3 (myosin binding protein C3; minus strand). Cytogenetic location: 11p11.2.
Variant type: single nucleotide variant.
Coding change: c.415T>G on transcript NM_000256.3 (MANE Select); coding-DNA position 415, T replaced by G.
Protein change: p.Ser139Ala; replaces serine 139 with alanine.
Molecular consequence: missense variant.
Genome position (GRCh38, 1-based): chr11:47,350,104, A>C on the plus strand (T>G on the coding strand, the complement: MYBPC3 is on the minus strand). VCF-style: chr11-47350104-A-C. GRCh37 (hg19) VCF-style: chr11-47371655-A-C.
Other names: short protein forms S139A.
Identifiers: ClinVar variation 2573881 (VCV002573881.1), dbSNP rs2495782086, ClinGen allele CA380339072.
Genomic context (GRCh38, chr11:47,350,104, plus strand): 5'-TCACGAAGAGGCCAATGGGGTCATCGGGGGCTCCAGGGGTAGGACCATTGAGAGCTGCTG[A>C]GCTTGACCCTGTGAGCAAAGGCTTTTTCTGTTTGTTTGAGATGGAGTCTTGCTCTGTCAC-3'
Protein context (NP_000247.2, residues 129-149): ESAPSPKGSS[Ser139Ala]AALNGPTPGA